The following is an entry in ClinVar:

NM_001267550.2(TTN):c.30224-18C>T

Gene: TTN (titin; minus strand). Cytogenetic location: 2q31.2.
Variant type: single nucleotide variant.
Coding change: c.30224-18C>T on transcript NM_001267550.2 (MANE Select); 18 bases into the intron before coding-DNA position 30224, C replaced by T.
Molecular consequence: intron variant.
Genome position (GRCh38, 1-based): chr2:178,702,681, G>A on the plus strand (C>T on the coding strand, the complement: TTN is on the minus strand). VCF-style: chr2-178702681-G-A. GRCh37 (hg19) VCF-style: chr2-179567408-G-A.
Other names: c.13282+35401C>T (NM_003319.4); c.13858+35401C>T (NM_133437.4); c.13657+35401C>T (NM_133432.3); c.26492-18C>T (NM_133378.4); c.29273-18C>T (NM_001256850.1).
Identifiers: ClinVar variation 1098809 (VCV001098809.9), dbSNP rs748735506, ClinGen allele CA1999208.

ClinVar aggregate classification (germline): Likely benign. Review status: criteria provided, multiple submitters, no conflicts (2 of 4 stars). 2 submissions from 2 submitters: Likely benign (2). Last evaluated 2025-11-06.

Conditions:
Dilated cardiomyopathy 1G (CMD1G). Identifiers: Orphanet 154, MedGen C1858763, MONDO:0011400, OMIM 604145.
Autosomal recessive limb-girdle muscular dystrophy type 2J (LGMDR10). Also called: MUSCULAR DYSTROPHY, LIMB-GIRDLE, AUTOSOMAL RECESSIVE 10; Limb-girdle muscular dystrophy, type 2J. Identifiers: Orphanet 140922, MedGen C1837342, MONDO:0012127, OMIM 608807.

Allele frequency attached by ClinVar (database versions not stated): ExAC 0.00001; gnomAD 0.00001; gnomAD exomes 0.00001; TOPMed 0.00001.
gnomAD v4.1: 5 of 1,605,134 alleles (0.00031%); highest among the groups gnomAD compares: South Asian, 0.0044%; no homozygotes.

Submissions (2):

Labcorp Genetics (formerly Invitae), Labcorp
Classification: Likely benign for Dilated cardiomyopathy 1G; Autosomal recessive limb-girdle muscular dystrophy type 2J. Last evaluated: 2025-11-06. Review status: criteria provided, single submitter. Criteria: Invitae Variant Classification Sherloc (09022015). Collection method: clinical testing. Allele origin: germline.

Women's Health and Genetics/Laboratory Corporation of America, LabCorp
Classification: Likely benign. Last evaluated: 2021-04-20. Review status: criteria provided, single submitter. Criteria: LabCorp Variant Classification Summary - May 2015. Collection method: clinical testing. Allele origin: germline.
Comment: Variant summary: TTN c.26492-18C>T alters a non-conserved nucleotide located close to a canonical splice site and therefore could affect mRNA splicing, leading to a significantly altered protein sequence. 4/4 computational tools predict no significant impact on normal splicing. However, these predictions have yet to be confirmed by functional studies. The variant allele was found at a frequency of 8.2e-06 in 244406 control chromosomes. The available data on variant occurrences in the general population are insufficient to allow any conclusion about variant significance. To our knowledge, no occurrence of c.26492-18C>T in individuals affected with Dilated Cardiomyopathy and no experimental evidence demonstrating its impact on protein function have been reported. No clinical diagnostic laboratories have submitted clinical-significance assessments for this variant to ClinVar after 2014. Based on the evidence outlined above, the variant was classified as likely benign.